The following is an entry in ClinVar:

ClinVar aggregate classification (germline): Uncertain significance (1 of 4 stars; one submission).

Submission:

GeneDx
Classification: Uncertain significance. Last evaluated: 2024-11-17. Review status: criteria provided, single submitter. Criteria: GeneDx Variant Classification Process June 2021. Collection method: clinical testing. Allele origin: germline. Affected: yes.
Comment: Not observed at significant frequency in large population cohorts (gnomAD); In silico analysis indicates that this missense variant does not alter protein structure/function; Has not been previously published as pathogenic or benign to our knowledge

NM_001009999.3(KDM1A):c.318G>C (p.Glu106Asp)

Gene: KDM1A (lysine demethylase 1A; plus strand). Cytogenetic location: 1p36.12.
Variant type: single nucleotide variant.
Coding change: c.318G>C on transcript NM_001009999.3 (MANE Select); coding-DNA position 318, G replaced by C.
Protein change: p.Glu106Asp; replaces glutamic acid 106 with aspartic acid.
Molecular consequence: missense variant.
Genome position (GRCh38, 1-based): chr1:23,019,914, G>C. VCF-style: chr1-23019914-G-C. GRCh37 (hg19) VCF-style: chr1-23346407-G-C.
Other names: c.318G>C, p.Glu106Asp (NM_001363654.2, NM_001410762.1, NM_001410763.1 and 1 more transcripts); short protein forms E106D.
Identifiers: ClinVar variation 3899596 (VCV003899596.1).
Genomic context (GRCh38, chr1:23,019,914, plus strand): 5'-CCCTACTGTCGTGCCTGGGTCTGCGACCCCCATGGAAACTGGAATAGCAGAGACTCCGGA[G>C]GGGCGTCGGACCAGCCGGCGCAAGCGGGCGAAGGTAAGGCTCGACCCTTCCCTCAAACGA-3'
Protein context (NP_001009999.1, residues 96-116): PMETGIAETP[Glu106Asp]GRRTSRRKRA